The following is an entry in ClinVar:

ClinVar aggregate classification (germline): Uncertain significance (1 of 4 stars; one submission).

Conditions:
Diamond-Blackfan anemia 10 (DBA10). Also called: RPS26-Related Diamond-Blackfan Anemia. Identifiers: Orphanet 124, MedGen C2750080, MONDO:0013217, OMIM 613309.

Allele frequency attached by ClinVar (database versions not stated): gnomAD exomes 0.00001; ExAC 0.00003.
gnomAD v4.1: 13 of 1,613,956 alleles (0.00081%); highest among the groups gnomAD compares: Non-Finnish European, 0.0011%; no homozygotes.

Submission:

Labcorp Genetics (formerly Invitae), Labcorp
Classification: Uncertain significance for Diamond-Blackfan anemia 10. Last evaluated: 2024-12-20. Review status: criteria provided, single submitter. Criteria: Invitae Variant Classification Sherloc (09022015). Collection method: clinical testing. Allele origin: germline.
Comment: This sequence change falls in intron 1 of the RPS26 gene. It does not directly change the encoded amino acid sequence of the RPS26 protein. It affects a nucleotide within the consensus splice site. This variant is present in population databases (rs748437026, gnomAD 0.004%). This variant has not been reported in the literature in individuals affected with RPS26-related conditions. ClinVar contains an entry for this variant (Variation ID: 1423910). Variants that disrupt the consensus splice site are a relatively common cause of aberrant splicing (PMID: 17576681, 9536098). Algorithms developed to predict the effect of sequence changes on RNA splicing suggest that this variant may disrupt the consensus splice site. In summary, the available evidence is currently insufficient to determine the role of this variant in disease. Therefore, it has been classified as a Variant of Uncertain Significance.

Literature cited by the submitters: PubMed 17576681; PubMed 9536098.

NM_001029.5(RPS26):c.3+6T>G

Gene: RPS26 (ribosomal protein S26; plus strand). Cytogenetic location: 12q13.2.
Variant type: single nucleotide variant.
Coding change: c.3+6T>G on transcript NM_001029.5 (MANE Select); 6 bases into the intron after coding-DNA position 3, T replaced by G.
Molecular consequence: intron variant.
Genome position (GRCh38, 1-based): chr12:56,042,175, T>G. VCF-style: chr12-56042175-T-G. GRCh37 (hg19) VCF-style: chr12-56435959-T-G.
Identifiers: ClinVar variation 1423910 (VCV001423910.6), dbSNP rs748437026, ClinGen allele CA6621652.